The following is an entry in ClinVar:

NM_001374736.1(DST):c.13060A>G (p.Lys4354Glu)

Gene: DST (dystonin; minus strand). Cytogenetic location: 6p12.1.
Variant type: single nucleotide variant.
Coding change: c.13060A>G on transcript NM_001374736.1 (MANE Select); coding-DNA position 13060, A replaced by G.
Protein change: p.Lys4354Glu; replaces lysine 4354 with glutamic acid.
Molecular consequence: missense variant.
Genome position (GRCh38, 1-based): chr6:56,573,855, T>C on the plus strand (A>G on the coding strand, the complement: DST is on the minus strand). VCF-style: chr6-56573855-T-C. GRCh37 (hg19) VCF-style: chr6-56438653-T-C.
Other names: c.6703A>G, p.Lys2235Glu (NM_001144769.5); c.6289A>G, p.Lys2097Glu (NM_001144770.2); c.13060A>G, p.Lys4354Glu (NM_001374722.1); c.12427A>G, p.Lys4143Glu (NM_001374729.1); c.6169A>G, p.Lys2057Glu (NM_001374730.1, NM_001386100.1, NM_183380.4); c.13087A>G, p.Lys4363Glu (NM_001374734.1); c.5191A>G, p.Lys1731Glu (NM_015548.5); short protein forms K1731E, K2057E, K2097E, K2235E, K4143E, K4354E, K4363E.
Identifiers: ClinVar variation 3762362 (VCV003762362.2).

ClinVar aggregate classification (germline): Uncertain significance (1 of 4 stars; one submission).

Conditions:
Epidermolysis bullosa simplex 3, localized or generalized intermediate, with BP230 deficiency (EBS3). Also called: Epidermolysis bullosa simplex due to BP230 deficiency; Epidermolysis bullosa simplex, autosomal recessive 2. Identifiers: Orphanet 412181, MedGen C3809470, MONDO:0014180, OMIM 615425.
Hereditary sensory and autonomic neuropathy type 6. Also called: Neuropathy, hereditary sensory and autonomic, type VI; HSAN VI. Identifiers: Orphanet 314381, MedGen C3539003, MONDO:0013839, OMIM 614653.

gnomAD v4.1: 4 of 1,613,258 alleles (0.00025%); highest among the groups gnomAD compares: Non-Finnish European, 0.00034%; no homozygotes.

Submission:

Labcorp Genetics (formerly Invitae), Labcorp
Classification: Uncertain significance for Epidermolysis bullosa simplex 3, localized or generalized intermediate, with BP230 deficiency; Hereditary sensory and autonomic neuropathy type 6. Last evaluated: 2024-03-19. Review status: criteria provided, single submitter. Criteria: Invitae Variant Classification Sherloc (09022015). Collection method: clinical testing. Allele origin: germline.
Comment: The DST gene has multiple clinically relevant transcripts. This variant occurs in alternate transcript NM_015548.4, and corresponds to NM_001723.5:c.*41662A>G in the primary transcript. This sequence change replaces lysine, which is basic and polar, with glutamic acid, which is acidic and polar, at codon 1731 of the DST protein (p.Lys1731Glu). This variant is present in population databases (no rsID available, gnomAD 0.0009%). This variant has not been reported in the literature in individuals affected with DST-related conditions. Experimental studies and prediction algorithms are not available or were not evaluated, and the functional significance of this variant is currently unknown. In summary, the available evidence is currently insufficient to determine the role of this variant in disease. Therefore, it has been classified as a Variant of Uncertain Significance.